The following is an entry in ClinVar:

NM_000089.4(COL1A2):c.2095GCTGGTCCT[5] (p.Pro707_Arg708insAlaGlyProAlaGlyPro)

Gene: COL1A2 (collagen type I alpha 2 chain; plus strand). Cytogenetic location: 7q21.3.
Variant type: Microsatellite.
Coding change: c.2095GCTGGTCCT[5] on transcript NM_000089.4 (MANE Select); five copies in a row of the 9-base unit GCTGGTCCT starting at c.2095; the reference has three copies in a row; two copies, 18 bases duplicated; also written c.2104_2121dup.
Protein change: p.Pro707_Arg708insAlaGlyProAlaGlyPro.
Molecular consequence: inframe indel (on NM_000089.3).
Genome position (GRCh38, 1-based): chr7:94,420,257-94,420,274, GCTGGTCCTGCTGGTCCT duplicated; duplicating any 18 consecutive bases within chr7:94,420,246-94,420,274 gives the same sequence; the position shown is the placement nearest the transcript's 3' end. VCF-style (leftmost placement, unchanged base first): chr7-94420245-G-GCTGCTGGTCCTGCTGGTC. GRCh37 (hg19) VCF-style: chr7-94049557-G-GCTGCTGGTCCTGCTGGTC.
Other names: c.2104_2121dup (NM_000089.3, NM_000089.4); c.2095_2103GCTGGTCCT[5], p.Pro707_Arg708insAlaGlyProAlaGlyPro (NM_000089.3).
Identifiers: ClinVar variation 3383462 (VCV003383462.2).

ClinVar aggregate classification (germline): Conflicting classifications of pathogenicity. Review status: criteria provided, conflicting classifications (1 of 4 stars). 2 submissions from 2 submitters: Likely pathogenic (1); Uncertain significance (1). Last evaluated 2025-06-06.

Conditions:
Osteogenesis imperfecta type I (OI1). Also called: Classic Non-deforming Osteogenesis Imperfecta with Blue Sclerae; OI, TYPE I; OSTEOGENESIS IMPERFECTA TARDA; OSTEOGENESIS IMPERFECTA WITH BLUE SCLERAE; Osteogenesis imperfecta type 1; Lobstein's Disease. Identifiers: Orphanet 216796, Orphanet 666, MedGen C0023931, MONDO:0008146, OMIM 166200. Disease mechanism: loss of function.

Submissions (2):

MVZ Martinsried, Medicover Genetics
Classification: Likely pathogenic for Osteogenesis imperfecta type I. Last evaluated: 2025-06-06. Review status: criteria provided, single submitter. Criteria: ACGS Guidelines, 2020. Collection method: clinical testing. Allele origin: unknown. Affected: yes. Observed: 1 heterozygote.

GeneDx
Classification: Uncertain significance. Last evaluated: 2024-05-29. Review status: criteria provided, single submitter. Criteria: GeneDx Variant Classification Process June 2021. Collection method: clinical testing. Allele origin: germline. Affected: yes.
Comment: In-frame insertion of 6 amino acids in a non-repeat region; In silico analysis indicates that this variant does not alter protein structure/function; This variant is associated with the following publications: (PMID: 31447884)